The following is an entry in ClinVar:

ClinVar aggregate classification (germline): Uncertain significance (1 of 4 stars; one submission).

Conditions:
Neuronopathy, distal hereditary motor, autosomal recessive 5. Also called: Spinal muscular atrophy, distal, autosomal recessive, 5; Young adult-onset distal hereditary motor neuropathy; NEUROPATHY, DISTAL HEREDITARY MOTOR, AUTOSOMAL RECESSIVE 5. Identifiers: Orphanet 314485, Orphanet 443950, MedGen C4749918, MONDO:0013947, OMIM 614881.

Submission:

Labcorp Genetics (formerly Invitae), Labcorp
Classification: Uncertain significance for Neuronopathy, distal hereditary motor, autosomal recessive 5. Last evaluated: 2019-08-14. Review status: criteria provided, single submitter. Criteria: Invitae Variant Classification Sherloc (09022015). Collection method: clinical testing. Allele origin: germline.
Comment: This sequence change replaces tyrosine with cysteine at codon 23 of the DNAJB2 protein (p.Tyr23Cys). The tyrosine residue is highly conserved and there is a large physicochemical difference between tyrosine and cysteine. This variant is not present in population databases (ExAC no frequency). This variant has not been reported in the literature in individuals with DNAJB2-related conditions. Algorithms developed to predict the effect of missense changes on protein structure and function (SIFT, PolyPhen-2, Align-GVGD) all suggest that this variant is likely to be disruptive, but these predictions have not been confirmed by published functional studies and their clinical significance is uncertain. In summary, the available evidence is currently insufficient to determine the role of this variant in disease. Therefore, it has been classified as a Variant of Uncertain Significance.

NM_006736.6(DNAJB2):c.68A>G (p.Tyr23Cys)

Gene: DNAJB2 (DnaJ heat shock protein family (Hsp40) member B2; plus strand). Cytogenetic location: 2q35.
Variant type: single nucleotide variant.
Coding change: c.68A>G on transcript NM_006736.6 (MANE Select); coding-DNA position 68, A replaced by G.
Protein change: p.Tyr23Cys; replaces tyrosine 23 with cysteine.
Molecular consequence: missense variant.
Genome position (GRCh38, 1-based): chr2:219,280,580, A>G. VCF-style: chr2-219280580-A-G. GRCh37 (hg19) VCF-style: chr2-220145302-A-G.
Other names: c.68A>G, p.Tyr23Cys (NM_001039550.2); short protein forms Y23C.
Identifiers: ClinVar variation 952505 (VCV000952505.10), dbSNP rs1951895139, ClinGen allele CA350646400.